The following is an entry in ClinVar:

ClinVar aggregate classification (germline): Uncertain significance (0 of 4 stars; one submission).

Conditions:
Breast-ovarian cancer, familial, susceptibility to, 2 (BROVCA2). Also called: BRCA2 Hereditary Breast and Ovarian Cancer. Identifiers: Orphanet 145, MedGen C2675520, MONDO:0012933, OMIM 612555. Disease mechanism: loss of function.

Submission:

Department of Medical and Surgical Sciences, University of Bologna
Classification: Uncertain significance for Breast-ovarian cancer, familial, susceptibility to, 2. Last evaluated: 2023-09-01. Review status: no assertion criteria provided. Collection method: clinical testing. Allele origin: germline. Affected: yes.
Comment: BP4(Supporting) according to ACMG/AMP classification guidelines specified for BRCA1 & BRCA2 (Classification Criteria V1.0.0 2023-09-08) (PMID: 38160042)

NM_000059.4(BRCA2):c.41T>C (p.Ile14Thr)

Gene: BRCA2 (BRCA2 DNA repair associated; plus strand). Cytogenetic location: 13q13.1.
Variant type: single nucleotide variant.
Coding change: c.41T>C on transcript NM_000059.4 (MANE Select); coding-DNA position 41, T replaced by C.
Protein change: p.Ile14Thr; replaces isoleucine 14 with threonine.
Molecular consequence: missense variant. On other transcripts: non-coding transcript variant (1), intron variant (1).
Genome position (GRCh38, 1-based): chr13:32,316,501, T>C. VCF-style: chr13-32316501-T-C. GRCh37 (hg19) VCF-style: chr13-32890638-T-C.
Other names: c.41T>C, p.Ile14Thr (NM_001406719.1, NM_001406720.1, NM_001406721.1); c.-303+834T>C (NM_001406722.1); short protein forms I14T.
Identifiers: ClinVar variation 2683817 (VCV002683817.1), dbSNP rs1241704385, ClinGen allele CA387753029.